The following is an entry in ClinVar:

ClinVar aggregate classification (germline): Uncertain significance (1 of 4 stars; one submission).

Conditions:
Cardiovascular phenotype. Identifiers: MedGen CN230736.

gnomAD v4.1: 1 of 1,613,886 alleles (0.000062%); highest among the groups gnomAD compares: African/African-American, 0.0013%; no homozygotes.

Submission:

Ambry Genetics
Classification: Uncertain significance for Cardiovascular phenotype. Last evaluated: 2025-09-17. Review status: criteria provided, single submitter. Criteria: Ambry Variant Classification Scheme 2023. Collection method: clinical testing. Allele origin: germline.
Comment: The p.A2365D variant (also known as c.7094C>A), located in coding exon 26 of the APOB gene, results from a C to A substitution at nucleotide position 7094. The alanine at codon 2365 is replaced by aspartic acid, an amino acid with dissimilar properties. This amino acid position is conserved. In addition, this alteration is predicted to be tolerated by in silico analysis. Since supporting evidence is limited at this time, the clinical significance of this alteration remains unclear.

NM_000384.3(APOB):c.7094C>A (p.Ala2365Asp)

Gene: APOB (apolipoprotein B; minus strand). Cytogenetic location: 2p24.1.
Variant type: single nucleotide variant.
Coding change: c.7094C>A on transcript NM_000384.3 (MANE Select); coding-DNA position 7094, C replaced by A.
Protein change: p.Ala2365Asp; replaces alanine 2365 with aspartic acid.
Molecular consequence: missense variant.
Genome position (GRCh38, 1-based): chr2:21,009,774, G>T on the plus strand (C>A on the coding strand, the complement: APOB is on the minus strand). VCF-style: chr2-21009774-G-T. GRCh37 (hg19) VCF-style: chr2-21232646-G-T.
Other names: short protein forms A2365D.
Identifiers: ClinVar variation 2586190 (VCV002586190.3), dbSNP rs200034452, ClinGen allele CA345998147.